The following is an entry in ClinVar:

ClinVar aggregate classification (germline): Conflicting classifications of pathogenicity. Review status: criteria provided, conflicting classifications (1 of 4 stars). 2 submissions from 2 submitters: Uncertain significance (1); Benign (1). Last evaluated 2025-03-20.

Conditions:
Ovarian cancer. Also called: OVARIAN CANCER, SOMATIC. Identifiers: Orphanet 213500, MedGen C1140680, MONDO:0008170, OMIM 167000.

Allele frequency attached by ClinVar (database versions not stated): TOPMed below 0.00001; gnomAD exomes 0.00001.
gnomAD v4.1: 10 of 1,613,922 alleles (0.00062%); highest among the groups gnomAD compares: Non-Finnish European, 0.00068%; no homozygotes.

Submissions (2):

GeneDx
Classification: Uncertain significance. Last evaluated: 2025-03-20. Review status: criteria provided, single submitter. Criteria: GeneDx Variant Classification Process June 2021. Collection method: clinical testing. Allele origin: germline. Affected: yes.
Comment: Not observed at significant frequency in large population cohorts (gnomAD); In silico analysis indicates that this missense variant does not alter protein structure/function; Has not been previously published as pathogenic or benign to our knowledge

Laboratory of Molecular Epidemiology of Birth Defects, West China Second University Hospital, Sichuan University
Classification: Benign for Ovarian cancer. Last evaluated: 2022-01-01. Review status: criteria provided, single submitter. Criteria: ACMG Guidelines, 2015. Collection method: clinical testing. Allele origin: germline. Affected: yes.

NM_000107.3(DDB2):c.100G>T (p.Ala34Ser)

Genes: DDB2 (damage specific DNA binding protein 2; plus strand), LOC126861205 (MED14-independent group 3 enhancer GRCh37_chr11:47236089-47237288; plus strand). Cytogenetic location: 11p11.2.
Variant type: single nucleotide variant.
Coding change: c.100G>T on transcript NM_000107.3 (MANE Select); coding-DNA position 100, G replaced by T.
Protein change: p.Ala34Ser; replaces alanine 34 with serine.
Molecular consequence: missense variant. On other transcripts: non-coding transcript variant (2).
Genome position (GRCh38, 1-based): chr11:47,215,236, G>T. VCF-style: chr11-47215236-G-T. GRCh37 (hg19) VCF-style: chr11-47236787-G-T.
Other names: c.100G>T, p.Ala34Ser (NM_001300734.2, NM_001399874.1, NM_001399875.1 and 2 more transcripts); short protein forms A34S.
Identifiers: ClinVar variation 2445239 (VCV002445239.3), dbSNP rs1953383789, ClinGen allele CA380292463.